The following is an entry in ClinVar:

NM_017780.4(CHD7):c.3602A>G (p.Lys1201Arg)

Gene: CHD7 (chromodomain helicase DNA binding protein 7; plus strand). Cytogenetic location: 8q12.2.
Variant type: single nucleotide variant.
Coding change: c.3602A>G on transcript NM_017780.4 (MANE Select); coding-DNA position 3602, A replaced by G.
Protein change: p.Lys1201Arg; replaces lysine 1201 with arginine.
Molecular consequence: missense variant. On other transcripts: intron variant (1).
Genome position (GRCh38, 1-based): chr8:60,830,401, A>G. VCF-style: chr8-60830401-A-G. GRCh37 (hg19) VCF-style: chr8-61742960-A-G.
Other names: c.1717-31828A>G (NM_001316690.1); short protein forms K1201R.
Identifiers: ClinVar variation 2145094 (VCV002145094.5), dbSNP rs2487853600, ClinGen allele CA371315197.

ClinVar aggregate classification (germline): Uncertain significance. Review status: criteria provided, multiple submitters, no conflicts (2 of 4 stars). 2 submissions from 2 submitters: Uncertain significance (2). Last evaluated 2024-05-12.

Conditions:
Hypogonadotropic hypogonadism 5 with or without anosmia (KAL5). Also called: HYPOGONADOTROPIC HYPOGONADISM 5 WITH ANOSMIA; HYPOGONADOTROPHIC HYPOGONADISM 5 WITHOUT ANOSMIA; CHD7-Related GnRH Deficiency (Kallmann Syndrome 5). Identifiers: Orphanet 478, MedGen C3552553, MONDO:0012880, OMIM 612370. Disease mechanism: loss of function.
CHARGE syndrome (CHARGE). Also called: Hittner Hirsch Kreh syndrome; CHARGE ASSOCIATION--COLOBOMA, HEART ANOMALY, CHOANAL ATRESIA, RETARDATION, GENITAL AND EAR ANOMALIES; Coloboma, heart anomaly, choanal atresia, retardation, genital and ear anomalies; CHARGE association; Hall-Hittner syndrome. Identifiers: Orphanet 138, MedGen C0265354, MONDO:0008965.

Submissions (2):

Fulgent Genetics
Classification: Uncertain significance for CHD7-related CHARGE syndrome; Hypogonadotropic hypogonadism 5 with or without anosmia. Last evaluated: 2024-05-12. Review status: criteria provided, single submitter. Criteria: ACMG Guidelines, 2015. Collection method: clinical testing. Allele origin: germline.

Labcorp Genetics (formerly Invitae), Labcorp
Classification: Uncertain significance for CHARGE syndrome. Last evaluated: 2022-01-04. Review status: criteria provided, single submitter. Criteria: Invitae Variant Classification Sherloc (09022015). Collection method: clinical testing. Allele origin: germline.
Comment: This variant is not present in population databases (gnomAD no frequency). This sequence change replaces lysine, which is basic and polar, with arginine, which is basic and polar, at codon 1201 of the CHD7 protein (p.Lys1201Arg). This variant has not been reported in the literature in individuals affected with CHD7-related conditions. In summary, the available evidence is currently insufficient to determine the role of this variant in disease. Therefore, it has been classified as a Variant of Uncertain Significance. Algorithms developed to predict the effect of sequence changes on RNA splicing suggest that this variant may create or strengthen a splice site. Advanced modeling of protein sequence and biophysical properties (such as structural, functional, and spatial information, amino acid conservation, physicochemical variation, residue mobility, and thermodynamic stability) performed at Invitae indicates that this missense variant is expected to disrupt CHD7 protein function.